The following is an entry in ClinVar:

ClinVar aggregate classification (germline): Conflicting classifications of pathogenicity. Review status: criteria provided, conflicting classifications (1 of 4 stars). 4 submissions from 3 submitters: Uncertain significance (2); Benign (1); Likely benign (1). Last evaluated 2025-10-06.

Conditions:
Congenital myasthenic syndrome (CMS). Also called: Congenital Myasthenic Syndromes. Identifiers: Orphanet 590, MedGen C0751882, MeSH D020294, MONDO:0018940.
Lethal multiple pterygium syndrome (LMPS). Identifiers: Orphanet 33108, MedGen C1854678, MONDO:0009668, OMIM 253290.

Allele frequency attached by ClinVar (database versions not stated): gnomAD 0.00007; ESP Exome Variant Server 0.00008; TOPMed 0.00015.

Submissions (4):

Labcorp Genetics (formerly Invitae), Labcorp
Classification: Benign for Lethal multiple pterygium syndrome. Last evaluated: 2025-10-06. Review status: criteria provided, single submitter. Criteria: Invitae Variant Classification Sherloc (09022015). Collection method: clinical testing. Allele origin: germline.

CeGaT Center for Human Genetics Tuebingen
Classification: Likely benign. Last evaluated: 2024-03-01. Review status: criteria provided, single submitter. Criteria: CeGaT Center For Human Genetics Tuebingen Variant Classification Criteria Version 2. Collection method: clinical testing. Allele origin: germline. Affected: yes. Observed: 1 variant allele.
Comment: CHRNA1: BP4, BP7

Illumina Laboratory Services, Illumina
Classification: Uncertain significance for Lethal multiple pterygium syndrome. Last evaluated: 2018-01-12. Review status: criteria provided, single submitter. Criteria: ICSL Variant Classification Criteria 13 December 2019. Collection method: clinical testing. Allele origin: germline.

Illumina Laboratory Services, Illumina
Classification: Uncertain significance for Congenital myasthenic syndrome. Last evaluated: 2018-01-12. Review status: criteria provided, single submitter. Criteria: ICSL Variant Classification Criteria 13 December 2019. Collection method: clinical testing. Allele origin: germline.

NM_000079.4(CHRNA1):c.813G>A (p.Leu271=)

Gene: CHRNA1 (cholinergic receptor nicotinic alpha 1 subunit; minus strand). Cytogenetic location: 2q31.1.
Variant type: single nucleotide variant.
Coding change: c.813G>A on transcript NM_000079.4 (MANE Select); coding-DNA position 813, G replaced by A.
Protein change: p.Leu271=; no amino-acid change (leucine 271 retained).
Molecular consequence: synonymous variant.
Genome position (GRCh38, 1-based): chr2:174,750,135, C>T on the plus strand (G>A on the coding strand, the complement: CHRNA1 is on the minus strand). VCF-style: chr2-174750135-C-T. GRCh37 (hg19) VCF-style: chr2-175614863-C-T.
Other names: c.888G>A, p.Leu296= (NM_001039523.3).
Identifiers: ClinVar variation 332442 (VCV000332442.40), dbSNP rs374093236, ClinGen allele CA1974438.